The following is an entry in ClinVar:

ClinVar aggregate classification (germline): Uncertain significance. Review status: criteria provided, multiple submitters, no conflicts (2 of 4 stars). 3 submissions from 3 submitters: Uncertain significance (3). Last evaluated 2024-07-02.

Conditions:
Hereditary cancer-predisposing syndrome. Also called: Tumor predisposition; Neoplastic Syndromes, Hereditary; Hereditary Cancer Syndrome; Hereditary neoplastic syndrome. Identifiers: Orphanet 140162, MedGen C0027672, MeSH D009386, MONDO:0015356.
Familial cancer of breast. Also called: BREAST CANCER, FAMILIAL; Hereditary breast cancer; hereditary breast carcinoma. Identifiers: Orphanet 227535, MedGen C0346153, MONDO:0016419, OMIM 114480. Disease mechanism: loss of function.
Fanconi anemia complementation group J. Also called: BRIP1-Related Fanconi Anemia. Identifiers: Orphanet 84, MedGen C1836860, MONDO:0012187, OMIM 609054.

Submissions (3):

Blueprint Genetics
Classification: Uncertain significance. Last evaluated: 2024-07-02. Review status: criteria provided, single submitter. Criteria: ACMG Guidelines, 2015. Collection method: clinical testing. Allele origin: germline.

Labcorp Genetics (formerly Invitae), Labcorp
Classification: Uncertain significance for Familial cancer of breast; Fanconi anemia complementation group J. Last evaluated: 2022-12-06. Review status: criteria provided, single submitter. Criteria: Invitae Variant Classification Sherloc (09022015). Collection method: clinical testing. Allele origin: germline.
Comment: In summary, the available evidence is currently insufficient to determine the role of this variant in disease. Therefore, it has been classified as a Variant of Uncertain Significance. Advanced modeling of protein sequence and biophysical properties (such as structural, functional, and spatial information, amino acid conservation, physicochemical variation, residue mobility, and thermodynamic stability) performed at Invitae indicates that this missense variant is not expected to disrupt BRIP1 protein function. ClinVar contains an entry for this variant (Variation ID: 627716). This variant has not been reported in the literature in individuals affected with BRIP1-related conditions. This variant is not present in population databases (gnomAD no frequency). This sequence change replaces proline, which is neutral and non-polar, with histidine, which is basic and polar, at codon 115 of the BRIP1 protein (p.Pro115His).

Color Diagnostics, LLC DBA Color Health
Classification: Uncertain significance for Hereditary cancer-predisposing syndrome. Last evaluated: 2020-10-22. Review status: criteria provided, single submitter. Criteria: ACMG Guidelines, 2015. Collection method: clinical testing. Allele origin: germline.
Comment: This missense variant replaces proline with histidine at codon 115 of the BRIP1 protein. Computational prediction is inconclusive regarding the impact of this variant on protein structure and function (internally defined REVEL score threshold 0.5 < inconclusive < 0.7, PMID: 27666373). To our knowledge, functional studies have not been reported for this variant. This variant has not been reported in individuals affected with hereditary cancer in the literature. This variant has not been identified in the general population by the Genome Aggregation Database (gnomAD). The available evidence is insufficient to determine the role of this variant in disease conclusively. Therefore, this variant is classified as a Variant of Uncertain Significance.

NM_032043.3(BRIP1):c.344C>A (p.Pro115His)

Gene: BRIP1 (BRCA1 interacting DNA helicase 1; minus strand). Cytogenetic location: 17q23.2.
Variant type: single nucleotide variant.
Coding change: c.344C>A on transcript NM_032043.3 (MANE Select); coding-DNA position 344, C replaced by A.
Protein change: p.Pro115His; replaces proline 115 with histidine.
Molecular consequence: missense variant.
Genome position (GRCh38, 1-based): chr17:61,857,093, G>T on the plus strand (C>A on the coding strand, the complement: BRIP1 is on the minus strand). VCF-style: chr17-61857093-G-T. GRCh37 (hg19) VCF-style: chr17-59934454-G-T.
Other names: short protein forms P115H.
Identifiers: ClinVar variation 627716 (VCV000627716.12), dbSNP rs1555617800, ClinGen allele CA400485328.